The following is an entry in ClinVar:

NM_005333.5(HCCS):c.603G>A (p.Trp201Ter)

Gene: HCCS (holocytochrome c synthase; plus strand). Cytogenetic location: Xp22.2.
Variant type: single nucleotide variant.
Coding change: c.603G>A on transcript NM_005333.5 (MANE Select); coding-DNA position 603, G replaced by A.
Protein change: p.Trp201Ter; replaces tryptophan 201 with a stop codon.
Molecular consequence: nonsense.
Genome position (GRCh38, 1-based): chrX:11,120,988, G>A. VCF-style: chrX-11120988-G-A. GRCh37 (hg19) VCF-style: chrX-11139108-G-A.
Other names: c.603G>A, p.Trp201Ter (NM_001122608.3, NM_001171991.3); short protein forms W201*.
Identifiers: ClinVar variation 3390916 (VCV003390916.1).

ClinVar aggregate classification (germline): Likely pathogenic (1 of 4 stars; one submission).

Conditions:
Linear skin defects with multiple congenital anomalies 1 (LSDMCA1). Also called: MLS syndrome; Microphthalmia with Linear Skin Defects Syndrome; MIDAS SYNDROME. Identifiers: Orphanet 2556, MedGen C0796070, MONDO:0024552, OMIM 309801.

Submission:

Genomics, Genetics and Epigenetics Laboratory, Medical College of Wisconsin
Classification: Likely pathogenic for Linear skin defects with multiple congenital anomalies 1. Last evaluated: 2024-11-12. Review status: criteria provided, single submitter. Criteria: ACMG Guidelines, 2015. Collection method: research. Allele origin: unknown. Affected: yes.
Comment: The NM_005333.5:c.603G>A generates a premature stop codon with the truncated transcript missing the final domain, important for folding and stability of the protein. Similar truncating alleles are reported in other individuals with MLS. The variant is absent in gnomAD v4.1.0.